The following is an entry in ClinVar:

ClinVar aggregate classification (germline): Uncertain significance. Review status: criteria provided, multiple submitters, no conflicts (2 of 4 stars). 5 submissions from 5 submitters: Uncertain significance (4). 1 of the submissions does not count toward it. Last evaluated 2022-08-07.

Conditions:
Glycogen storage disease type III (GSD3). Also called: FORBES DISEASE; Cori disease. Identifiers: Orphanet 366, MedGen C0017922, MONDO:0009291, OMIM 232400.

Allele frequency attached by ClinVar (database versions not stated): gnomAD 0.00001; ExAC 0.00002; gnomAD exomes 0.00002 and 0.00003; TOPMed 0.00002; ESP Exome Variant Server 0.00008.
gnomAD v4.1: 42 of 1,613,830 alleles (0.0026%); highest among the groups gnomAD compares: Non-Finnish European, 0.0035%; no homozygotes.

Submissions (5):

Labcorp Genetics (formerly Invitae), Labcorp
Classification: Uncertain significance for Glycogen storage disease type III. Last evaluated: 2022-08-07. Review status: criteria provided, single submitter. Criteria: Invitae Variant Classification Sherloc (09022015). Collection method: clinical testing. Allele origin: germline.
Comment: This sequence change replaces proline, which is neutral and non-polar, with alanine, which is neutral and non-polar, at codon 123 of the AGL protein (p.Pro123Ala). This variant is present in population databases (rs372709840, gnomAD 0.004%). This variant has not been reported in the literature in individuals affected with AGL-related conditions. ClinVar contains an entry for this variant (Variation ID: 876882). Algorithms developed to predict the effect of missense changes on protein structure and function are either unavailable or do not agree on the potential impact of this missense change (SIFT: "Deleterious"; PolyPhen-2: "Benign"; Align-GVGD: "Class C0"). Algorithms developed to predict the effect of sequence changes on RNA splicing suggest that this variant may create or strengthen a splice site. In summary, the available evidence is currently insufficient to determine the role of this variant in disease. Therefore, it has been classified as a Variant of Uncertain Significance.

Department of Pathology and Laboratory Medicine, Sinai Health System
Classification: Uncertain significance for glycogen storage disease III. Last evaluated: 2022-04-14. Review status: criteria provided, single submitter. Criteria: ACMG Guidelines, 2015. Collection method: research. Allele origin: germline.

Genome-Nilou Lab
Classification: Uncertain significance for Glycogen storage disease type III. Last evaluated: 2021-07-15. Review status: criteria provided, single submitter. Criteria: ACMG Guidelines, 2015. Collection method: clinical testing. Allele origin: germline. Affected: no.

Illumina Laboratory Services, Illumina
Classification: Uncertain significance for Glycogen storage disease type III. Last evaluated: 2018-01-13. Review status: criteria provided, single submitter. Criteria: ICSL Variant Classification Criteria 13 December 2019. Collection method: clinical testing. Allele origin: germline.

Natera, Inc.
Classification: Uncertain significance for Glycogen storage disease type III. Last evaluated: 2020-02-13. Review status: no assertion criteria provided. Collection method: clinical testing. Allele origin: germline. Not counted in ClinVar's aggregate classification.

NM_000642.3(AGL):c.367C>G (p.Pro123Ala)

Gene: AGL (amylo-alpha-1,6-glucosidase and 4-alpha-glucanotransferase; plus strand). Cytogenetic location: 1p21.2.
Variant type: single nucleotide variant.
Coding change: c.367C>G on transcript NM_000642.3 (MANE Select); coding-DNA position 367, C replaced by G.
Protein change: p.Pro123Ala; replaces proline 123 with alanine.
Molecular consequence: missense variant.
Genome position (GRCh38, 1-based): chr1:99,862,330, C>G. VCF-style: chr1-99862330-C-G. GRCh37 (hg19) VCF-style: chr1-100327886-C-G.
Other names: c.367C>G, p.Pro123Ala (NM_000028.3, NM_000643.3, NM_000644.3 and 5 more transcripts); c.319C>G, p.Pro107Ala (NM_000646.3); short protein forms P107A, P123A.
Identifiers: ClinVar variation 876882 (VCV000876882.14), dbSNP rs372709840, ClinGen allele CA966147.